The following is an entry in ClinVar:

ClinVar aggregate classification (germline): Benign/Likely benign. Review status: criteria provided, multiple submitters, no conflicts (2 of 4 stars). 10 submissions from 10 submitters: Benign (7); Likely benign (3). Last evaluated 2026-02-04.

Conditions:
Cardiovascular phenotype. Identifiers: MedGen CN230736.
Long QT syndrome (LQTS). Identifiers: MedGen C0023976, MeSH D008133, MONDO:0002442. Disease mechanism: loss of function. Inheritance: Various modes of inheritance.
Long QT syndrome 11 (LQT11). Identifiers: Orphanet 101016, Orphanet 768, MedGen C2678483, MONDO:0012738, OMIM 611820.

Allele frequency attached by ClinVar (database versions not stated): 1000 Genomes Project 30x 0.06324; 1000 Genomes Project 0.06550; TOPMed 0.09006; ESP Exome Variant Server 0.09449; gnomAD 0.09895 and 0.09968; gnomAD exomes 0.10746; ExAC 0.10900.
gnomAD v4.1: 204,040 of 1,613,678 alleles (13%); highest among the groups gnomAD compares: Middle Eastern, 16%; 13,938 homozygotes.

Submissions (10):

Labcorp Genetics (formerly Invitae), Labcorp
Classification: Benign for Long QT syndrome. Last evaluated: 2026-02-04. Review status: criteria provided, single submitter. Criteria: Invitae Variant Classification Sherloc (09022015). Collection method: clinical testing. Allele origin: germline.

Blueprint Genetics
Classification: Likely benign. Last evaluated: 2024-11-27. Review status: criteria provided, single submitter. Criteria: ACMG Guidelines, 2015. Collection method: clinical testing. Allele origin: germline.

Genome-Nilou Lab
Classification: Benign for Long QT syndrome 11. Last evaluated: 2021-12-05. Review status: criteria provided, single submitter. Criteria: ACMG Guidelines, 2015. Collection method: clinical testing. Allele origin: germline. Affected: no.

Women's Health and Genetics/Laboratory Corporation of America, LabCorp
Classification: Likely benign. Last evaluated: 2020-08-26. Review status: criteria provided, single submitter. Criteria: LabCorp Variant Classification Summary - May 2015. Collection method: clinical testing. Allele origin: germline.

Ambry Genetics
Classification: Benign for Cardiovascular phenotype. Last evaluated: 2015-06-21. Review status: criteria provided, single submitter. Criteria: Ambry Variant Classification Scheme 2023. Collection method: clinical testing. Allele origin: germline.

Mayo Clinic Laboratories, Mayo Clinic
Classification: Benign. Last evaluated: 2015-03-25. Review status: criteria provided, single submitter. Criteria: ACMG Guidelines, 2015. Collection method: clinical testing. Allele origin: germline. Observed: 70 variant alleles.

Biesecker Lab/Clinical Genomics Section, National Institutes of Health
Classification: Benign. Last evaluated: 2013-06-24. Review status: criteria provided, single submitter. Criteria: Ng et al. (Circ Cardiovasc Genet. 2013). Collection method: research. Allele origin: unknown. Observed: 198 variant alleles. Study: ClinSeq.
Comment: The study set was not selected for affection status in relation to any cancer. Pathogenicity categories were based on literature curation. See Pubmed ID:23861362 for details.

Medical sequencing

GeneDx
Classification: Benign. Last evaluated: 2011-08-08. Review status: criteria provided, single submitter. Criteria: GeneDx Variant Classification (06012015). Collection method: clinical testing. Allele origin: germline. Affected: yes.
Comment: This variant is considered likely benign or benign based on one or more of the following criteria: it is a conservative change, it occurs at a poorly conserved position in the protein, it is predicted to be benign by multiple in silico algorithms, and/or has population frequency not consistent with disease.

Breakthrough Genomics
Classification: Likely benign. Review status: criteria provided, single submitter. Criteria: ACMG Guidelines, 2015. Collection method: not provided. Allele origin: germline. Inheritance: Autosomal dominant inheritance. Affected: yes.

PreventionGenetics, part of Exact Sciences
Classification: Benign. Review status: criteria provided, single submitter. Criteria: ACMG Guidelines, 2015. Collection method: clinical testing. Allele origin: germline.

NM_005751.5(AKAP9):c.7451A>G (p.Lys2484Arg)

Gene: AKAP9 (A-kinase anchoring protein 9; plus strand). Cytogenetic location: 7q21.2.
Variant type: single nucleotide variant.
Coding change: c.7451A>G on transcript NM_005751.5 (MANE Select); coding-DNA position 7451, A replaced by G.
Protein change: p.Lys2484Arg; replaces lysine 2484 with arginine.
Molecular consequence: missense variant.
Genome position (GRCh38, 1-based): chr7:92,079,584, A>G. VCF-style: chr7-92079584-A-G. GRCh37 (hg19) VCF-style: chr7-91708898-A-G.
Other names: p.K2484R:AAA>AGA; p.Lys2484Arg; c.2096A>G, p.Lys699Arg (NM_001379277.1); c.7427A>G, p.Lys2476Arg (NM_147185.3); short protein forms K2484R, K2476R, K699R.
Identifiers: ClinVar variation 136338 (VCV000136338.27), dbSNP rs35759833, ClinGen allele CA163148.